The following is an entry in ClinVar:

ClinVar aggregate classification (germline): Uncertain significance (1 of 4 stars; one submission).

Submission:

GeneDx
Classification: Uncertain significance. Last evaluated: 2024-02-01. Review status: criteria provided, single submitter. Criteria: GeneDx Variant Classification Process June 2021. Collection method: clinical testing. Allele origin: germline. Affected: yes.
Comment: Not observed at significant frequency in large population cohorts (gnomAD); In silico analysis supports that this missense variant does not alter protein structure/function; Has not been previously published as pathogenic or benign to our knowledge

NM_005257.6(GATA6):c.875G>C (p.Gly292Ala)

Gene: GATA6 (GATA binding protein 6; plus strand). Cytogenetic location: 18q11.2.
Variant type: single nucleotide variant.
Coding change: c.875G>C on transcript NM_005257.6 (MANE Select); coding-DNA position 875, G replaced by C.
Protein change: p.Gly292Ala; replaces glycine 292 with alanine.
Molecular consequence: missense variant.
Genome position (GRCh38, 1-based): chr18:22,172,019, G>C. VCF-style: chr18-22172019-G-C. GRCh37 (hg19) VCF-style: chr18-19751980-G-C.
Other names: short protein forms G292A.
Identifiers: ClinVar variation 3368514 (VCV003368514.1).